The following is an entry in ClinVar:

NM_015072.5(TTLL5):c.2230C>T (p.Arg744Cys)

Gene: TTLL5 (tubulin tyrosine ligase like 5; plus strand). Cytogenetic location: 14q24.3.
Variant type: single nucleotide variant.
Coding change: c.2230C>T on transcript NM_015072.5 (MANE Select); coding-DNA position 2230, C replaced by T.
Protein change: p.Arg744Cys; replaces arginine 744 with cysteine.
Molecular consequence: missense variant.
Genome position (GRCh38, 1-based): chr14:75,775,577, C>T. VCF-style: chr14-75775577-C-T. GRCh37 (hg19) VCF-style: chr14-76241920-C-T.
Other names: short protein forms R744C.
Identifiers: ClinVar variation 1415921 (VCV001415921.6), dbSNP rs201309706, ClinGen allele CA7279648.

ClinVar aggregate classification (germline): Uncertain significance. Review status: criteria provided, multiple submitters, no conflicts (2 of 4 stars). 2 submissions from 2 submitters: Uncertain significance (2). Last evaluated 2024-04-05.

Allele frequency attached by ClinVar (database versions not stated): ExAC 0.00002; gnomAD exomes 0.00002 and 0.00003; TOPMed 0.00002; gnomAD 0.00005.
gnomAD v4.1: 54 of 1,613,918 alleles (0.0033%); highest among the groups gnomAD compares: African/African-American, 0.004%; no homozygotes.

Submissions (2):

Blueprint Genetics
Classification: Uncertain significance. Last evaluated: 2024-04-05. Review status: criteria provided, single submitter. Criteria: ACMG Guidelines, 2015. Collection method: clinical testing. Allele origin: germline.

Labcorp Genetics (formerly Invitae), Labcorp
Classification: Uncertain significance. Last evaluated: 2022-09-19. Review status: criteria provided, single submitter. Criteria: Invitae Variant Classification Sherloc (09022015). Collection method: clinical testing. Allele origin: germline.
Comment: This sequence change replaces arginine, which is basic and polar, with cysteine, which is neutral and slightly polar, at codon 744 of the TTLL5 protein (p.Arg744Cys). This variant is present in population databases (rs201309706, gnomAD 0.005%). This variant has not been reported in the literature in individuals affected with TTLL5-related conditions. ClinVar contains an entry for this variant (Variation ID: 1415921). Algorithms developed to predict the effect of missense changes on protein structure and function (SIFT, PolyPhen-2, Align-GVGD) all suggest that this variant is likely to be disruptive. In summary, the available evidence is currently insufficient to determine the role of this variant in disease. Therefore, it has been classified as a Variant of Uncertain Significance.